The following is an entry in ClinVar:

ClinVar aggregate classification (germline): Pathogenic/Likely pathogenic. Review status: criteria provided, multiple submitters, no conflicts (2 of 4 stars). 4 submissions from 4 submitters: Pathogenic (2); Likely pathogenic (2). Last evaluated 2025-10-28.

Conditions:
PKHD1-related disorder. Also called: PKHD1-related condition.
Polycystic kidney disease 4 (PKD4). Also called: POLYCYSTIC KIDNEY DISEASE 4 WITH OR WITHOUT POLYCYSTIC LIVER DISEASE; Autosomal Recessive Polycystic Kidney Disease – PKHD1; POLYCYSTIC KIDNEY AND HEPATIC DISEASE 1; POLYCYSTIC KIDNEY DISEASE, INFANTILE, TYPE I; PKD3. Identifiers: MedGen C4540575, MONDO:0033004, OMIM 263200.
Autosomal recessive polycystic kidney disease (ARPKD). Also called: AR polycystic kidney disease. Identifiers: Orphanet 731, Orphanet 8378, MedGen C0085548, MeSH D017044, MONDO:0009889.

Allele frequency attached by ClinVar (database versions not stated): ExAC 0.00001; gnomAD exomes 0.00001 and 0.00002.

Submissions (4):

Natera, Inc.
Classification: Likely pathogenic for Autosomal recessive polycystic kidney disease. Last evaluated: 2025-10-28. Review status: criteria provided, single submitter. Criteria: Natera Variant Classification Schema (03/2026). Collection method: clinical testing. Allele origin: germline.
Comment: The c.2310dupA variant in PKHD1 is a frameshift variant predicted to shift the reading frame beginning at codon 771 and leads to a stop codon 28 codons downstream. This variant is expected to result in nonsense mediated decay, truncation, or a dysfunctional protein product. This variant is rare in the general population with a frequency below the threshold expected for the associated phenotype(s). Given the available evidence, this variant is classified as Likely Pathogenic.

PreventionGenetics, part of Exact Sciences
Classification: Pathogenic for PKHD1-related condition. Last evaluated: 2024-12-31. Review status: criteria provided, single submitter. Criteria: ACMG Guidelines, 2015. Collection method: clinical testing. Allele origin: germline.
Comment: The PKHD1 c.2310dupA variant is predicted to result in a frameshift and premature protein termination (p.Ser771Ilefs*28). To our knowledge, this variant has not been reported in the literature. This variant is reported in 0.0026% of alleles in individuals of European (Non-Finnish) descent in gnomAD. Frameshift variants in PKHD1 are expected to be pathogenic. This variant is interpreted as pathogenic.

Fulgent Genetics
Classification: Likely pathogenic for Polycystic kidney disease 4. Last evaluated: 2024-01-24. Review status: criteria provided, single submitter. Criteria: ACMG Guidelines, 2015. Collection method: clinical testing. Allele origin: germline.

Labcorp Genetics (formerly Invitae), Labcorp
Classification: Pathogenic for Autosomal recessive polycystic kidney disease. Last evaluated: 2023-03-19. Review status: criteria provided, single submitter. Criteria: Invitae Variant Classification Sherloc (09022015). Collection method: clinical testing. Allele origin: germline.
Comment: For these reasons, this variant has been classified as Pathogenic. ClinVar contains an entry for this variant (Variation ID: 649691). This variant has not been reported in the literature in individuals affected with PKHD1-related conditions. This variant is present in population databases (rs767737392, gnomAD 0.003%). This sequence change creates a premature translational stop signal (p.Ser771Ilefs*28) in the PKHD1 gene. It is expected to result in an absent or disrupted protein product. Loss-of-function variants in PKHD1 are known to be pathogenic (PMID: 19940839).

Literature cited by the submitters: PubMed 19940839 (cited by Labcorp Genetics (formerly Invitae), Labcorp).

NM_138694.4(PKHD1):c.2310dup (p.Ser771fs)

Gene: PKHD1 (PKHD1 ciliary IPT domain containing fibrocystin/polyductin; minus strand). Cytogenetic location: 6p12.2.
Variant type: Duplication.
Coding change: c.2310dup on transcript NM_138694.4 (MANE Select); coding-DNA position 2310, one base duplicated (A; older notation c.2310dupA).
Protein change: p.Ser771fs; shifts the reading frame from serine 771.
Molecular consequence: frameshift variant.
Genome position (GRCh38, 1-based): chr6:52,048,589, T duplicated on the plus strand (A on the coding strand, the reverse complement: PKHD1 is on the minus strand). VCF-style (leftmost placement, unchanged base first): chr6-52048588-A-AT. GRCh37 (hg19) VCF-style: chr6-51913386-A-AT.
Other names: c.2310dup, p.Ser771fs (NM_170724.3); c.2310dupA (NM_138694.3); short protein forms S771fs.
Identifiers: ClinVar variation 649691 (VCV000649691.13), dbSNP rs767737392, ClinGen allele CA3853252.
Genomic context (GRCh38, chr6:52,048,588, plus strand): 5'-GTCCTCCTAGAGGTGGACTTGTCCGCTGTCGTCTCTGTGTCGTCACCAGGACCAGTCCAG[A>AT]TCCCTCTTCTGTTCCTTCAGTGGGCACAGAGCTGTGGCACGTCAGAAACAAAGTATTAAC-3'